The following is an entry in ClinVar:

NM_001035.3(RYR2):c.1708+183C>T

Gene: RYR2 (ryanodine receptor 2; plus strand). Cytogenetic location: 1q43.
Variant type: single nucleotide variant.
Coding change: c.1708+183C>T on transcript NM_001035.3 (MANE Select); 183 bases into the intron after coding-DNA position 1708, C replaced by T.
Molecular consequence: intron variant.
Genome position (GRCh38, 1-based): chr1:237,469,370, C>T. VCF-style: chr1-237469370-C-T. GRCh37 (hg19) VCF-style: chr1-237632670-C-T.
Identifiers: ClinVar variation 672069 (VCV000672069.1), dbSNP rs10925426, ClinGen allele CA15071910.

ClinVar aggregate classification (germline): Benign (1 of 4 stars; one submission).

Allele frequency attached by ClinVar (database versions not stated): TOPMed 0.47763; gnomAD 0.48122; 1000 Genomes Project 30x 0.51733; 1000 Genomes Project 0.52835.
gnomAD v4.1: 73,933 of 151,002 alleles (49%); highest among the groups gnomAD compares: East Asian, 74%; 19,168 homozygotes.

Submission:

GeneDx
Classification: Benign. Last evaluated: 2018-06-15. Review status: criteria provided, single submitter. Criteria: GeneDx Variant Classification (06012015). Collection method: clinical testing. Allele origin: germline. Affected: yes.
Comment: This variant is considered likely benign or benign based on one or more of the following criteria: it is a conservative change, it occurs at a poorly conserved position in the protein, it is predicted to be benign by multiple in silico algorithms, and/or has population frequency not consistent with disease.